The following is an entry in ClinVar:

ClinVar aggregate classification (germline): Uncertain significance. Review status: criteria provided, multiple submitters, no conflicts (2 of 4 stars). 2 submissions from 2 submitters: Uncertain significance (2). Last evaluated 2025-09-15.

Conditions:
Inborn genetic diseases. Identifiers: MedGen C0950123, MeSH D030342.

Submissions (2):

Labcorp Genetics (formerly Invitae), Labcorp
Classification: Uncertain significance. Last evaluated: 2025-09-15. Review status: criteria provided, single submitter. Criteria: Invitae Variant Classification Sherloc (09022015). Collection method: clinical testing. Allele origin: germline.
Comment: This sequence change replaces phenylalanine, which is neutral and non-polar, with leucine, which is neutral and non-polar, at codon 1179 of the COL11A1 protein (p.Phe1179Leu). This variant is not present in population databases (gnomAD no frequency). This variant has not been reported in the literature in individuals affected with COL11A1-related conditions. ClinVar contains an entry for this variant (Variation ID: 1445609). Invitae Evidence Modeling of protein sequence and biophysical properties (such as structural, functional, and spatial information, amino acid conservation, physicochemical variation, residue mobility, and thermodynamic stability) indicates that this missense variant is not expected to disrupt COL11A1 protein function with a negative predictive value of 80%. In summary, the available evidence is currently insufficient to determine the role of this variant in disease. Therefore, it has been classified as a Variant of Uncertain Significance.

Ambry Genetics
Classification: Uncertain significance for Inborn genetic diseases. Last evaluated: 2022-10-06. Review status: criteria provided, single submitter. Criteria: Ambry Variant Classification Scheme 2023. Collection method: clinical testing. Allele origin: germline.

NM_001854.4(COL11A1):c.3535T>C (p.Phe1179Leu)

Gene: COL11A1 (collagen type XI alpha 1 chain; minus strand). Cytogenetic location: 1p21.1.
Variant type: single nucleotide variant.
Coding change: c.3535T>C on transcript NM_001854.4 (MANE Select); coding-DNA position 3535, T replaced by C.
Protein change: p.Phe1179Leu; replaces phenylalanine 1179 with leucine.
Molecular consequence: missense variant. On other transcripts: non-coding transcript variant (1).
Genome position (GRCh38, 1-based): chr1:102,934,514, A>G on the plus strand (T>C on the coding strand, the complement: COL11A1 is on the minus strand). VCF-style: chr1-102934514-A-G. GRCh37 (hg19) VCF-style: chr1-103400070-A-G.
Other names: c.3535T>C (NM_001854.3); c.3418T>C, p.Phe1140Leu (NM_001190709.2); c.3571T>C, p.Phe1191Leu (NM_080629.3); c.3187T>C, p.Phe1063Leu (NM_080630.4); short protein forms F1140L, F1179L, F1191L, F1063L.
Identifiers: ClinVar variation 1445609 (VCV001445609.7), dbSNP rs2101214143, ClinGen allele CA341167566.